The following is an entry in ClinVar:

ClinVar aggregate classification (germline): Likely benign. Review status: criteria provided, multiple submitters, no conflicts (2 of 4 stars). 3 submissions from 3 submitters: Likely benign (2). 1 of the submissions does not count toward it. Last evaluated 2026-07-01.

Conditions:
RIPOR2-related disorder. Also called: RIPOR2-related condition.

Allele frequency attached by ClinVar (database versions not stated): TOPMed 0.00015; 1000 Genomes Project 30x 0.00016; 1000 Genomes Project 0.00020; ESP Exome Variant Server 0.00022; ExAC 0.00027.
gnomAD v4.1: 331 of 1,551,832 alleles (0.021%); highest among the groups gnomAD compares: Middle Eastern, 0.05%; no homozygotes.

Submissions (3):

CeGaT Center for Human Genetics Tuebingen
Classification: Likely benign. Last evaluated: 2026-07-01. Review status: criteria provided, single submitter. Criteria: CeGaT Center For Human Genetics Tuebingen Variant Classification Criteria Version 2. Collection method: clinical testing. Allele origin: germline. Affected: yes. Observed: 2 variant alleles.
Comment: RIPOR2: BP4, BP7

Labcorp Genetics (formerly Invitae), Labcorp
Classification: Likely benign. Last evaluated: 2025-06-15. Review status: criteria provided, single submitter. Criteria: Invitae Variant Classification Sherloc (09022015). Collection method: clinical testing. Allele origin: germline.

PreventionGenetics, part of Exact Sciences
Classification: Likely benign for RIPOR2-related condition. Last evaluated: 2019-05-17. Review status: no assertion criteria provided. Collection method: clinical testing. Allele origin: germline. Not counted in ClinVar's aggregate classification.
Comment: This variant is classified as likely benign based on ACMG/AMP sequence variant interpretation guidelines (Richards et al. 2015 PMID: 25741868, with internal and published modifications).

NM_001286445.3(RIPOR2):c.3063A>C (p.Ala1021=)

Gene: RIPOR2 (RHO family interacting cell polarization regulator 2; minus strand). Cytogenetic location: 6p22.3.
Variant type: single nucleotide variant.
Coding change: c.3063A>C on transcript NM_001286445.3 (MANE Select); coding-DNA position 3063, A replaced by C.
Protein change: p.Ala1021=; no amino-acid change (alanine 1021 retained).
Molecular consequence: synonymous variant.
Genome position (GRCh38, 1-based): chr6:24,806,454, T>G on the plus strand (A>C on the coding strand, the complement: RIPOR2 is on the minus strand). VCF-style: chr6-24806454-T-G. GRCh37 (hg19) VCF-style: chr6-24806682-T-G.
Other names: c.3126A>C (NM_014722.4); c.2976A>C, p.Ala992= (NM_001346031.2, NM_001346032.2); c.3126A>C, p.Ala1042= (NM_014722.5).
Identifiers: ClinVar variation 2703036 (VCV002703036.7), dbSNP rs369994154, ClinGen allele CA3659036.